The following is an entry in ClinVar:

NM_000038.6(APC):c.642A>G (p.Ala214=)

Gene: APC (APC regulator of Wnt signaling pathway; plus strand). Cytogenetic location: 5q22.2.
Variant type: single nucleotide variant.
Coding change: c.642A>G on transcript NM_000038.6 (MANE Select); coding-DNA position 642, A replaced by G.
Protein change: p.Ala214=; no amino-acid change (alanine 214 retained).
Molecular consequence: synonymous variant. On other transcripts: 5 prime UTR variant (1).
Genome position (GRCh38, 1-based): chr5:112,780,900, A>G. VCF-style: chr5-112780900-A-G. GRCh37 (hg19) VCF-style: chr5-112116597-A-G.
Other names: c.567A>G, p.Ala189= (NM_001354898.2, NM_001354904.2); c.642A>G, p.Ala214= (NM_001354899.2, NM_001127510.3, NM_001354903.2 and 2 more transcripts); c.465A>G, p.Ala155= (NM_001354900.2, NM_001354901.2, NM_001354905.2); c.672A>G, p.Ala224= (NM_001127511.3, NM_001354902.2, NM_001354897.2); c.-394A>G (NM_001354906.2); c.642A>G (NM_000038.5).
Identifiers: ClinVar variation 1093275 (VCV001093275.11), dbSNP rs1580380453, ClinGen allele CA445755531.

ClinVar aggregate classification (germline): Benign/Likely benign. Review status: criteria provided, multiple submitters, no conflicts (2 of 4 stars). 3 submissions from 3 submitters: Benign (1); Likely benign (2). Last evaluated 2026-01-08.

Conditions:
Hereditary cancer-predisposing syndrome. Also called: Hereditary Cancer Syndrome; Neoplastic Syndromes, Hereditary; Hereditary neoplastic syndrome; Tumor predisposition. Identifiers: Orphanet 140162, MedGen C0027672, MeSH D009386, MONDO:0015356.
Familial adenomatous polyposis 1 (FAP1). Also called: FAMILIAL ADENOMATOUS POLYPOSIS 1, ATTENUATED; POLYPOSIS, ADENOMATOUS INTESTINAL. Identifiers: MedGen C2713442, MONDO:0021056, OMIM 175100. Disease mechanism: loss of function.

Allele frequency attached by ClinVar (database versions not stated): gnomAD 0.00001.
gnomAD v4.1: 1 of 1,597,232 alleles (0.000063%); highest among the groups gnomAD compares: East Asian, 0.0022%; no homozygotes.

Submissions (3):

Labcorp Genetics (formerly Invitae), Labcorp
Classification: Likely benign for Familial adenomatous polyposis 1. Last evaluated: 2026-01-08. Review status: criteria provided, single submitter. Criteria: Invitae Variant Classification Sherloc (09022015). Collection method: clinical testing. Allele origin: germline.

Myriad Genetics, Inc.
Classification: Benign for Familial adenomatous polyposis 1. Last evaluated: 2024-02-26. Review status: criteria provided, single submitter. Criteria: Myriad Autosomal Dominant, Autosomal Recessive and X-Linked Classification Criteria (2023). Collection method: clinical testing. Allele origin: unknown.
Comment: This variant is considered benign. This variant is a silent/synonymous amino acid change and it is not expected to impact splicing.

Ambry Genetics
Classification: Likely benign for Hereditary cancer-predisposing syndrome. Last evaluated: 2023-12-08. Review status: criteria provided, single submitter. Criteria: Ambry Variant Classification Scheme 2023. Collection method: clinical testing. Allele origin: germline.